The following is an entry in ClinVar:

NM_004560.4(ROR2):c.1105G>A (p.Gly369Arg)

Gene: ROR2 (ROR family WNT receptor 2; minus strand). Cytogenetic location: 9q22.31.
Variant type: single nucleotide variant.
Coding change: c.1105G>A on transcript NM_004560.4 (MANE Select); coding-DNA position 1105, G replaced by A.
Protein change: p.Gly369Arg; replaces glycine 369 with arginine.
Molecular consequence: missense variant.
Genome position (GRCh38, 1-based): chr9:91,730,988, C>T on the plus strand (G>A on the coding strand, the complement: ROR2 is on the minus strand). VCF-style: chr9-91730988-C-T. GRCh37 (hg19) VCF-style: chr9-94493270-C-T.
Other names: c.1105G>A, p.Gly369Arg (NM_001318204.2); short protein forms G369R.
Identifiers: ClinVar variation 453133 (VCV000453133.14), dbSNP rs151187583, ClinGen allele CA5120795.

ClinVar aggregate classification (germline): Uncertain significance. Review status: criteria provided, multiple submitters, no conflicts (2 of 4 stars). 3 submissions from 3 submitters: Uncertain significance (3). Last evaluated 2026-07-22.

Conditions:
Autosomal recessive Robinow syndrome (RRS1). Also called: ROR2-Related Robinow Syndrome; COSTOVERTEBRAL SEGMENTATION DEFECT WITH MESOMELIA; COVESDEM SYNDROME; ROBINOW SYNDROME, AUTOSOMAL RECESSIVE 1. Identifiers: Orphanet 1507, Orphanet 97360, MedGen C5399974, MONDO:0009999, OMIM 268310.
Brachydactyly type B1 (BDB1). Identifiers: Orphanet 572385, Orphanet 93383, MedGen C1862112, MONDO:0007220, OMIM 113000.

Allele frequency attached by ClinVar (database versions not stated): ExAC 0.00004; gnomAD 0.00006 and 0.00009; gnomAD exomes 0.00004 and 0.00005; ESP Exome Variant Server 0.00008; TOPMed 0.00005.
gnomAD v4.1: 96 of 1,614,168 alleles (0.0059%); highest among the groups gnomAD compares: South Asian, 0.026%; no homozygotes.

Submissions (3):

GeneDx
Classification: Uncertain significance. Last evaluated: 2026-07-22. Review status: criteria provided, single submitter. Criteria: GeneDx Variant Classification Process June 2021. Collection method: clinical testing. Allele origin: germline.
Comment: Observed in large aggregate dataset examining de novo variants in patients with various developmental disorders (PMID: 33057194, 35982159); In silico analysis supports that this missense variant has a deleterious effect on protein structure/function; This variant is associated with the following publications: (PMID: 33057194, 35982159)

Labcorp Genetics (formerly Invitae), Labcorp
Classification: Uncertain significance. Last evaluated: 2024-10-16. Review status: criteria provided, single submitter. Criteria: Invitae Variant Classification Sherloc (09022015). Collection method: clinical testing. Allele origin: germline.
Comment: This sequence change replaces glycine, which is neutral and non-polar, with arginine, which is basic and polar, at codon 369 of the ROR2 protein (p.Gly369Arg). This variant is present in population databases (rs151187583, gnomAD 0.03%). This variant has not been reported in the literature in individuals affected with ROR2-related conditions. ClinVar contains an entry for this variant (Variation ID: 453133). Invitae Evidence Modeling of protein sequence and biophysical properties (such as structural, functional, and spatial information, amino acid conservation, physicochemical variation, residue mobility, and thermodynamic stability) indicates that this missense variant is expected to disrupt ROR2 protein function with a positive predictive value of 80%. In summary, the available evidence is currently insufficient to determine the role of this variant in disease. Therefore, it has been classified as a Variant of Uncertain Significance.

Fulgent Genetics
Classification: Uncertain significance for Brachydactyly type B1; Autosomal recessive Robinow syndrome. Last evaluated: 2024-05-17. Review status: criteria provided, single submitter. Criteria: ACMG Guidelines, 2015. Collection method: clinical testing. Allele origin: germline.